The following is an entry in ClinVar:

NM_020750.3(XPO5):c.1162C>A (p.Pro388Thr)

Genes: POLR1C (RNA polymerase I and III subunit C; plus strand), XPO5 (exportin 5; minus strand). Cytogenetic location: 6p21.1.
Variant type: single nucleotide variant.
Coding change: c.1162C>A on transcript NM_020750.3 (MANE Select); coding-DNA position 1162, C replaced by A.
Protein change: p.Pro388Thr; replaces proline 388 with threonine.
Molecular consequence: missense variant. On other transcripts: non-coding transcript variant (1), intron variant (1).
Genome position (GRCh38, 1-based): chr6:43,560,237, G>T on the plus strand (C>A on the coding strand, the complement: XPO5 is on the minus strand). VCF-style: chr6-43560237-G-T. GRCh37 (hg19) VCF-style: chr6-43527974-G-T.
Other names: c.*43-1163G>T (NM_001363658.2); short protein forms P388T.
Identifiers: ClinVar variation 2030616 (VCV002030616.4), dbSNP rs2483142024, ClinGen allele CA364253584.
Genomic context (GRCh38, chr6:43,560,237, plus strand): 5'-CCTTGACCAAGTTAGTCATGGAAGCACGAAGATATTTTGGTATTATTGCTAATAGCAAAG[G>T]ATCACGGGACAGGATTTCATGCCTGAAGAGGGCTCCCCAAGTCATCTGAGTTGAAGAGCG-3'
Protein context (NP_065801.1, residues 378-398): LFRHEILSRD[Pro388Thr]LLLAIIPKYL

ClinVar aggregate classification (germline): Uncertain significance (1 of 4 stars; one submission).

Submission:

Labcorp Genetics (formerly Invitae), Labcorp
Classification: Uncertain significance. Last evaluated: 2022-09-23. Review status: criteria provided, single submitter. Criteria: Invitae Variant Classification Sherloc (09022015). Collection method: clinical testing. Allele origin: germline.
Comment: In summary, the available evidence is currently insufficient to determine the role of this variant in disease. Therefore, it has been classified as a Variant of Uncertain Significance. Algorithms developed to predict the effect of missense changes on protein structure and function (SIFT, PolyPhen-2, Align-GVGD) all suggest that this variant is likely to be tolerated. This variant has not been reported in the literature in individuals affected with XPO5-related conditions. This variant is not present in population databases (gnomAD no frequency). This sequence change replaces proline, which is neutral and non-polar, with threonine, which is neutral and polar, at codon 388 of the XPO5 protein (p.Pro388Thr).